The following is an entry in ClinVar:

ClinVar aggregate classification (germline): Likely benign (0 of 4 stars; one submission).

Conditions:
UMPS-related disorder. Also called: UMPS-related condition.

Allele frequency attached by ClinVar (database versions not stated): ExAC 0.00002; gnomAD exomes 0.00006; TOPMed 0.00008; gnomAD 0.00009; ESP Exome Variant Server 0.00015.
gnomAD v4.1: 105 of 1,614,090 alleles (0.0065%); highest among the groups gnomAD compares: African/African-American, 0.013%; no homozygotes.

Submission:

PreventionGenetics, part of Exact Sciences
Classification: Likely benign for UMPS-related condition. Last evaluated: 2019-04-09. Review status: no assertion criteria provided. Collection method: clinical testing. Allele origin: germline.
Comment: This variant is classified as likely benign based on ACMG/AMP sequence variant interpretation guidelines (Richards et al. 2015 PMID: 25741868, with internal and published modifications).

NM_000373.4(UMPS):c.525A>G (p.Thr175=)

Gene: UMPS (uridine monophosphate synthetase; plus strand). Cytogenetic location: 3q21.2.
Variant type: single nucleotide variant.
Coding change: c.525A>G on transcript NM_000373.4 (MANE Select); coding-DNA position 525, A replaced by G.
Protein change: p.Thr175=; no amino-acid change (threonine 175 retained).
Molecular consequence: synonymous variant. On other transcripts: non-coding transcript variant (2).
Genome position (GRCh38, 1-based): chr3:124,737,782, A>G. VCF-style: chr3-124737782-A-G. GRCh37 (hg19) VCF-style: chr3-124456629-A-G.
Identifiers: ClinVar variation 3050863 (VCV003050863.2), dbSNP rs141640285, ClinGen allele CA2581675.